The following is an entry in ClinVar:

ClinVar aggregate classification (germline): Uncertain significance (1 of 4 stars; one submission).

Conditions:
Neuroblastoma, susceptibility to, 3. Also called: ALK-Related Neuroblastic Tumor Susceptibility. Identifiers: Orphanet 635, MedGen C2751681, MONDO:0013083, OMIM 613014.

Submission:

Labcorp Genetics (formerly Invitae), Labcorp
Classification: Uncertain significance for Neuroblastoma, susceptibility to, 3. Last evaluated: 2018-12-28. Review status: criteria provided, single submitter. Criteria: Invitae Variant Classification Sherloc (09022015). Collection method: clinical testing. Allele origin: germline.
Comment: In summary, the available evidence is currently insufficient to determine the role of this variant in disease. Therefore, it has been classified as a Variant of Uncertain Significance. Algorithms developed to predict the effect of missense changes on protein structure and function (SIFT, PolyPhen-2, Align-GVGD) all suggest that this variant is likely to be tolerated, but these predictions have not been confirmed by published functional studies and their clinical significance is uncertain. This variant has not been reported in the literature in individuals with ALK-related conditions. The frequency data for this variant in the population databases is considered unreliable, as metrics indicate insufficient coverage at this position in the ExAC database. This sequence change replaces proline with alanine at codon 104 of the ALK protein (p.Pro104Ala). The proline residue is weakly conserved and there is a small physicochemical difference between proline and alanine.

NM_004304.5(ALK):c.310C>G (p.Pro104Ala)

Gene: ALK (ALK receptor tyrosine kinase; minus strand). Cytogenetic location: 2p23.1.
Variant type: single nucleotide variant.
Coding change: c.310C>G on transcript NM_004304.5 (MANE Select); coding-DNA position 310, C replaced by G.
Protein change: p.Pro104Ala; replaces proline 104 with alanine.
Molecular consequence: missense variant.
Genome position (GRCh38, 1-based): chr2:29,920,350, G>C on the plus strand (C>G on the coding strand, the complement: ALK is on the minus strand). VCF-style: chr2-29920350-G-C. GRCh37 (hg19) VCF-style: chr2-30143216-G-C.
Other names: short protein forms P104A.
Identifiers: ClinVar variation 657838 (VCV000657838.8), dbSNP rs576431612, ClinGen allele CA346590286.
Genomic context (GRCh38, chr2:29,920,350, plus strand): 5'-ACAGCGTCCGGGCCTCTGCCGGGGCTGGTGAACCGGCGGTCCAGGAGACCCCCGGCGCCG[G>C]CCCCAGCAACCTGAGCAGCGGGGCGCAGTCCAGAGCTAGCGAGCCGCGGGCCTCGGGCCT-3'
Protein context (NP_004295.2, residues 94-114): DCAPLLRLLG[Pro104Ala]APGVSWTAGS